The following is an entry in ClinVar:

ClinVar aggregate classification (germline): Uncertain significance (1 of 4 stars; one submission).

gnomAD v4.1: 6 of 1,612,120 alleles (0.00037%); highest among the groups gnomAD compares: Non-Finnish European, 0.00051%; no homozygotes.

Submission:

GeneDx
Classification: Uncertain significance. Last evaluated: 2022-02-11. Review status: criteria provided, single submitter. Criteria: GeneDx Variant Classification Process June 2021. Collection method: clinical testing. Allele origin: germline. Affected: yes.
Comment: Not observed at significant frequency in large population cohorts (gnomAD); In silico analysis supports that this missense variant does not alter protein structure/function; Has not been previously published as pathogenic or benign to our knowledge

NM_207037.2(TCF12):c.668G>A (p.Ser223Asn)

Gene: TCF12 (transcription factor 12; plus strand). Cytogenetic location: 15q21.3.
Variant type: single nucleotide variant.
Coding change: c.668G>A on transcript NM_207037.2 (MANE Select); coding-DNA position 668, G replaced by A.
Protein change: p.Ser223Asn; replaces serine 223 with asparagine.
Molecular consequence: missense variant.
Genome position (GRCh38, 1-based): chr15:57,231,240, G>A. VCF-style: chr15-57231240-G-A. GRCh37 (hg19) VCF-style: chr15-57523438-G-A.
Other names: c.158G>A, p.Ser53Asn (NM_001306219.3, NM_207040.2); c.100G>A, p.Ala34Thr (NM_001306220.3); c.668G>A, p.Ser223Asn (NM_001322151.2, NM_001322152.2, NM_001322157.3 and 7 more transcripts); c.11G>A, p.Ser4Asn (NM_001322154.2); c.494G>A, p.Ser165Asn (NM_001322156.2, NM_001322158.2); c.704G>A, p.Ser235Asn (NM_001322164.2); short protein forms A34T, S165N, S223N, S235N, S4N, S53N.
Identifiers: ClinVar variation 1700780 (VCV001700780.2), dbSNP rs2151918099, ClinGen allele CA392590654.